The following continues an entry in ClinVar:

NM_004004.6(GJB2):c.23C>T (p.Thr8Met)

Gene: GJB2. ClinVar aggregate classification (germline): Uncertain significance. Uncertain significance (1).

Submissions 15 to 17 of 17:

Juno Genomics, Hangzhou Juno Genomics, Inc
Classification: Uncertain significance for Knuckle pads, deafness AND leukonychia syndrome; Autosomal dominant nonsyndromic hearing loss 3A; Autosomal recessive nonsyndromic hearing loss 1A; Autosomal dominant keratitis-ichthyosis-hearing loss syndrome; Palmoplantar keratoderma-deafness syndrome; Mutilating keratoderma. Review status: criteria provided, single submitter. Criteria: ACMG Guidelines, 2015. Collection method: clinical testing. Allele origin: germline. Not counted in ClinVar's aggregate classification.
Comment: Well-established in vitro or in vivo functional studies supportive of a damaging effect on the gene or gene product.;For recessive disorders, detected in trans with a pathogenic variant.

PreventionGenetics, part of Exact Sciences
Classification: Uncertain significance for GJB2-related condition. Last evaluated: 2024-06-06. Review status: no assertion criteria provided. Collection method: clinical testing. Allele origin: germline. Not counted in ClinVar's aggregate classification.
Comment: The GJB2 c.23C>T variant is predicted to result in the amino acid substitution p.Thr8Met. This variant has been reported in the heterozygous state in individuals with non-syndromic hearing loss (NSHL) (Buonfiglio et al. 2020. PubMed ID: 33096615; Adhikary et al. 2015. PubMed ID: 26188157) and mixed hearing loss (Kenna et al. 2001. PubMed ID: 11556849). It has been reported in the homozygous state in one individual with NSHL (Naddafnia et al. 2019. PubMed ID: 31162818). This variant has also been reported in an individual with severe hearing loss; however, it was considered a variant of uncertain significance (Gao et al. 2016. PubMed ID: 27792752) and has been reported in two unaffected individuals (Quaio et al. 2022. PubMed ID: 36147510). Functional studies found this variant retains the ability to form gap junction channels but at lower conductance levels and with abnormal gating properties (Meşe et al. 2004. PubMed ID: 15241677). This variant is reported in 0.042% of alleles in individuals of South Asian descent in gnomAD. It is interpreted as uncertain by the ClinGen Hearing Loss Variant Curation Expert Panel in ClinVar. At this time, the clinical significance of this variant is uncertain due to the absence of conclusive functional and genetic evidence.

Natera, Inc.
Classification: Likely pathogenic for Autosomal recessive deafness type 1A. Last evaluated: 2020-09-16. Review status: no assertion criteria provided. Collection method: clinical testing. Allele origin: germline. Not counted in ClinVar's aggregate classification.

Literature cited by the submitters: PubMed 18684989 (cited by 7 submitters); PubMed 22384008 (cited by 4 submitters); PubMed 31162818 (cited by 5 submitters); PubMed 26095810 (cited by Labcorp Genetics (formerly Invitae), Labcorp and Athena Diagnostics); PubMed 36147510 (cited by Labcorp Genetics (formerly Invitae), Labcorp); PubMed 15241677 (cited by Labcorp Genetics (formerly Invitae), Labcorp and Athena Diagnostics); PubMed 11556849 (cited by Women's Health and Genetics/Laboratory Corporation of America, LabCorp and Athena Diagnostics); PubMed 16380907 (cited by Women's Health and Genetics/Laboratory Corporation of America, LabCorp and Athena Diagnostics); PubMed 14722929 (cited by Women's Health and Genetics/Laboratory Corporation of America, LabCorp); PubMed 12172394 (cited by Women's Health and Genetics/Laboratory Corporation of America, LabCorp and Athena Diagnostics); PubMed 15964725 (cited by Women's Health and Genetics/Laboratory Corporation of America, LabCorp and Athena Diagnostics); PubMed 20497192 (cited by Women's Health and Genetics/Laboratory Corporation of America, LabCorp and Athena Diagnostics); PubMed 19371219 (cited by Women's Health and Genetics/Laboratory Corporation of America, LabCorp and Athena Diagnostics); PubMed 20863150 (cited by Women's Health and Genetics/Laboratory Corporation of America, LabCorp); PubMed 33096615 (cited by Women's Health and Genetics/Laboratory Corporation of America, LabCorp and Victorian Clinical Genetics Services, Murdoch Childrens Research Institute); PubMed 29605365 (cited by Women's Health and Genetics/Laboratory Corporation of America, LabCorp and Athena Diagnostics); PubMed 12792423 (cited by Victorian Clinical Genetics Services, Murdoch Childrens Research Institute); PubMed 26178431 (cited by Victorian Clinical Genetics Services, Murdoch Childrens Research Institute and Athena Diagnostics); PubMed 28428247 (cited by Victorian Clinical Genetics Services, Murdoch Childrens Research Institute); PubMed 31160754 (cited by Victorian Clinical Genetics Services, Murdoch Childrens Research Institute); PubMed 25388846 (cited by Athena Diagnostics); PubMed 27792752 (cited by Athena Diagnostics); PubMed 26188157 (cited by Athena Diagnostics); PubMed 15954104 (cited by Athena Diagnostics); PubMed 24529908 (cited by Athena Diagnostics); PubMed 26096904 (cited by Athena Diagnostics); PubMed 25560255 (cited by Athena Diagnostics); PubMed 26778469 (cited by Athena Diagnostics); PubMed 29542069 (cited by Athena Diagnostics); PubMed 15841999 (cited by Athena Diagnostics); PubMed 26186295 (cited by Athena Diagnostics); PubMed 24158611 (cited by Athena Diagnostics); PubMed 18649181 (cited by Athena Diagnostics).